The following is an entry in ClinVar:

NM_001374828.1(ARID1B):c.6199C>T (p.Arg2067Ter)

Gene: ARID1B (AT-rich interaction domain 1B; plus strand). Cytogenetic location: 6q25.3.
Variant type: single nucleotide variant.
Coding change: c.6199C>T on transcript NM_001374828.1 (MANE Select); coding-DNA position 6199, C replaced by T.
Protein change: p.Arg2067Ter; replaces arginine 2067 with a stop codon.
Molecular consequence: nonsense.
Genome position (GRCh38, 1-based): chr6:157,206,971, C>T. VCF-style: chr6-157206971-C-T. GRCh37 (hg19) VCF-style: chr6-157528105-C-T.
Other names: c.5830C>T, p.Arg1944Ter (NM_020732.3); c.3700C>T, p.Arg1234Ter (NM_001363725.2); c.6079C>T, p.Arg2027Ter (NM_001371656.1, NM_001374820.1); c.6040C>T, p.Arg2014Ter (NM_017519.3); short protein forms R1944*, R1234*, R2014*, R2027*, R2067*.
Identifiers: ClinVar variation 431136 (VCV000431136.16), dbSNP rs1028186690, ClinGen allele CA366247749.

ClinVar aggregate classification (germline): Pathogenic/Likely pathogenic. Review status: criteria provided, multiple submitters, no conflicts (2 of 4 stars). 6 submissions from 6 submitters: Pathogenic (4); Likely pathogenic (2). Last evaluated 2024-05-16.
ClinVar aggregate classification (somatic clinical impact): Tier II - Potential (1 of 4 stars; one submission).

Conditions:
Coffin-Siris syndrome 1 (CSS1). Also called: Mental retardation, autosomal dominant 12; ARID1B-Related Coffin-Siris Syndrome. Identifiers: Orphanet 1465, MedGen C3281201, MONDO:0007617, OMIM 135900. Disease mechanism: gain of function.
Medulloblastoma WNT activated. Identifiers: MedGen C4331965, MONDO:0850196.

Submissions (7):

Laboratorio de Genetica e Diagnostico Molecular, Hospital Israelita Albert Einstein
Classification: Likely pathogenic for Coffin-Siris syndrome 1. Last evaluated: 2024-05-16. Review status: criteria provided, single submitter. Criteria: ACMG Guidelines, 2015. Collection method: clinical testing. Allele origin: germline. Affected: yes.
Comment: ACMG classification criteria: PVS1 strong, PS4 moderate, PM2 supporting

Labcorp Genetics (formerly Invitae), Labcorp
Classification: Pathogenic. Last evaluated: 2024-02-24. Review status: criteria provided, single submitter. Criteria: Invitae Variant Classification Sherloc (09022015). Collection method: clinical testing. Allele origin: germline.
Comment: This sequence change creates a premature translational stop signal (p.Arg1944*) in the ARID1B gene. While this is not anticipated to result in nonsense mediated decay, it is expected to disrupt the last 306 amino acid(s) of the ARID1B protein. This variant is not present in population databases (gnomAD no frequency). This premature translational stop signal has been observed in individual(s) with neurodevelopmental disorders (PMID: 28708303). ClinVar contains an entry for this variant (Variation ID: 431136). This variant disrupts a region of the ARID1B protein in which other variant(s) (p.Arg2128*) have been determined to be pathogenic (PMID: 33619735). This suggests that this is a clinically significant region of the protein, and that variants that disrupt it are likely to be disease-causing. For these reasons, this variant has been classified as Pathogenic.

Institute for Genomic Medicine (IGM) Clinical Laboratory, Nationwide Children's Hospital
Classification: Tier II - Potential for Medulloblastoma WNT activated. Assertion type: diagnostic. Clinical significance: supports diagnosis. Last evaluated: 2023-06-26. Review status: criteria provided, single submitter. Criteria: AMP/ASCO/CAP Guidelines, 2017. Collection method: clinical testing. Allele origin: somatic. Affected: yes.
Comment: Variant has Tier II (potential) clinical significance as a diagnostic inclusion criterion in medulloblastoma WNT activated, based on the following evidence: 1) Documented in one or more cancer databases (e.g., St. Jude Pecan, COSMIC, CIViC, OncoKB). 2) Diagnostic significance based on multiple small studies (Evidence Level C; PMIDs: 33949667, 21163964, 22832583, 22820256, 28726821).

GeneDx
Classification: Pathogenic. Last evaluated: 2023-02-28. Review status: criteria provided, single submitter. Criteria: GeneDx Variant Classification Process June 2021. Collection method: clinical testing. Allele origin: germline. Affected: yes.
Comment: Nonsense variant predicted to result in protein truncation, as the last 306 amino acids are lost, and other loss-of-function variants have been reported downstream in HGMD; Not observed at significant frequency in large population cohorts (gnomAD); This variant is associated with the following publications: (PMID: 28708303, 31844183, 29102090, 33619735, 34918830)

Genome-Nilou Lab
Classification: Pathogenic for Coffin-Siris syndrome 1. Last evaluated: 2021-07-15. Review status: criteria provided, single submitter. Criteria: ACMG Guidelines, 2015. Collection method: clinical testing. Allele origin: germline. Affected: no.

Groupe Hospitalier Pitie Salpetriere, Uf Genomique Du Developpement, Assistance Publique Hopitaux de Paris Sorbonne Université
Classification: Pathogenic for Coffin-Siris syndrome 1. Last evaluated: 2017-01-06. Review status: criteria provided, single submitter. Criteria: ACMG Guidelines, 2015. Collection method: clinical testing. Allele origin: paternal. Affected: yes. Observed: 1 variant allele.
Comment: hypotonia; Intellectual disability, moderate; dysmorphism

Juno Genomics, Hangzhou Juno Genomics, Inc
Classification: Likely pathogenic for Coffin-Siris syndrome 1. Review status: criteria provided, single submitter. Criteria: ACMG Guidelines, 2015. Collection method: clinical testing. Allele origin: germline. Affected: yes.
Comment: Absent from controls (or at extremely low frequency if recessive) in Genome Aggregation Database, Exome Sequencing Project, 1000 Genomes Project, or Exome Aggregation Consortium.;Null variant in a gene where loss of function (LOF) is a known mechanism of disease.;The prevalence of the variant in affected individuals is significantly increased compared to the prevalence in controls.;Assumed de novo, but without confirmation of paternity and maternity.

Literature cited by the submitters: PubMed 28708303 (cited by Labcorp Genetics (formerly Invitae), Labcorp and Groupe Hospitalier Pitie Salpetriere, Uf Genomique Du Developpement, Assistance Publique Hopitaux de Paris Sorbonne Université); PubMed 33619735 (cited by Labcorp Genetics (formerly Invitae), Labcorp); PubMed 33949667 (cited by Institute for Genomic Medicine (IGM) Clinical Laboratory, Nationwide Children's Hospital); PubMed 21163964 (cited by Institute for Genomic Medicine (IGM) Clinical Laboratory, Nationwide Children's Hospital); PubMed 22832583 (cited by Institute for Genomic Medicine (IGM) Clinical Laboratory, Nationwide Children's Hospital); PubMed 22820256 (cited by Institute for Genomic Medicine (IGM) Clinical Laboratory, Nationwide Children's Hospital); PubMed 28726821 (cited by Institute for Genomic Medicine (IGM) Clinical Laboratory, Nationwide Children's Hospital).